The following is an entry in ClinVar:

ClinVar aggregate classification (germline): Likely pathogenic (1 of 4 stars; one submission).

Conditions:
Dilated cardiomyopathy 1G (CMD1G). Identifiers: Orphanet 154, MedGen C1858763, MONDO:0011400, OMIM 604145.
Autosomal recessive limb-girdle muscular dystrophy type 2J (LGMDR10). Also called: Limb-girdle muscular dystrophy, type 2J; MUSCULAR DYSTROPHY, LIMB-GIRDLE, AUTOSOMAL RECESSIVE 10. Identifiers: Orphanet 140922, MedGen C1837342, MONDO:0012127, OMIM 608807.

Submission:

Labcorp Genetics (formerly Invitae), Labcorp
Classification: Likely pathogenic for Dilated cardiomyopathy 1G; Autosomal recessive limb-girdle muscular dystrophy type 2J. Last evaluated: 2020-11-21. Review status: criteria provided, single submitter. Criteria: Invitae Variant Classification Sherloc (09022015). Collection method: clinical testing. Allele origin: germline.
Comment: In summary, the currently available evidence indicates that the variant is pathogenic, but additional data are needed to prove that conclusively. Therefore, this variant has been classified as Likely Pathogenic. This variant is located in the A band of TTN (PMID: 25589632). Truncating variants in this region are significantly overrepresented in patients affected with dilated cardiomyopathy (PMID: 25589632). Truncating variants in this region have also been reported in individuals affected with autosomal recessive centronuclear myopathy (PMID: 23975875). This variant has not been reported in the literature in individuals with TTN-related conditions. This variant is not present in population databases (ExAC no frequency). This sequence change results in a premature translational stop signal in the TTN gene (p.Lys26425*). While this is not anticipated to result in nonsense mediated decay, it is expected to create a truncated TTN protein.

Literature cited by the submitters: PubMed 25589632; PubMed 23975875.

NM_001267550.2(TTN):c.79273A>T (p.Lys26425Ter)

Genes: TTN (titin; minus strand), TTN-AS1 (TTN antisense RNA 1; plus strand). Cytogenetic location: 2q31.2.
Variant type: single nucleotide variant.
Coding change: c.79273A>T on transcript NM_001267550.2 (MANE Select); coding-DNA position 79273, A replaced by T.
Protein change: p.Lys26425Ter; replaces lysine 26425 with a stop codon.
Molecular consequence: nonsense.
Genome position (GRCh38, 1-based): chr2:178,566,859, T>A on the plus strand (A>T on the coding strand, the complement: TTN is on the minus strand). VCF-style: chr2-178566859-T-A. GRCh37 (hg19) VCF-style: chr2-179431586-T-A.
Other names: c.74350A>T, p.Lys24784Ter (NM_001256850.1); c.52078A>T, p.Lys17360Ter (NM_003319.4); c.71569A>T, p.Lys23857Ter (NM_133378.4); c.52453A>T, p.Lys17485Ter (NM_133432.3); c.52654A>T, p.Lys17552Ter (NM_133437.4); short protein forms K17360*, K17485*, K17552*, K23857*, K24784*, K26425*.
Identifiers: ClinVar variation 1066084 (VCV001066084.9), dbSNP rs1706063163, ClinGen allele CA349598302.